The following is an entry in ClinVar:

NM_001077365.2(POMT1):c.2002A>C (p.Arg668=)

Gene: POMT1 (protein O-mannosyltransferase 1; plus strand). Cytogenetic location: 9q34.13.
Variant type: single nucleotide variant.
Coding change: c.2002A>C on transcript NM_001077365.2 (MANE Select); coding-DNA position 2002, A replaced by C.
Protein change: p.Arg668=; no amino-acid change (arginine 668 retained).
Molecular consequence: synonymous variant. On other transcripts: non-coding transcript variant (10).
Genome position (GRCh38, 1-based): chr9:131,522,223, A>C. VCF-style: chr9-131522223-A-C. GRCh37 (hg19) VCF-style: chr9-134397610-A-C.
Other names: c.1840A>C, p.Arg614= (NM_001077366.2, NM_001353194.2); c.2002A>C, p.Arg668= (NM_001136113.2); c.1651A>C, p.Arg551= (NM_001136114.2, NM_001353195.2, NM_001374691.1 and 2 more transcripts); c.2068A>C, p.Arg690= (NM_001353193.2, NM_007171.4); c.1912A>C, p.Arg638= (NM_001353196.2); c.1906A>C, p.Arg636= (NM_001353197.2, NM_001353198.2); c.1717A>C, p.Arg573= (NM_001353199.2); c.1546A>C, p.Arg516= (NM_001353200.2); and 3 more.
Identifiers: ClinVar variation 859889 (VCV000859889.7), dbSNP rs985023011, ClinGen allele CA200797631.

ClinVar aggregate classification (germline): Uncertain significance (1 of 4 stars; one submission).

Conditions:
Walker-Warburg congenital muscular dystrophy. Also called: Muscular dystrophy-dystroglycanopathy, type A; Walker-Warburg syndrome. Identifiers: Orphanet 899, MedGen C0265221, MONDO:0000171.
Autosomal recessive limb-girdle muscular dystrophy type 2K. Also called: MUSCULAR DYSTROPHY, LIMB-GIRDLE, TYPE 2K; MUSCULAR DYSTROPHY-DYSTROGLYCANOPATHY (LIMB-GIRDLE), TYPE C, 1. Identifiers: Orphanet 86812, MedGen C1836373, MONDO:0012248, OMIM 609308.
Muscular dystrophy-dystroglycanopathy (congenital with impaired intellectual development), type B, 1. Also called: MUSCULAR DYSTROPHY, CONGENITAL, POMT1-RELATED; Muscular dystrophy-dystroglycanopathy (congenital with intellectual disability), type B1. Identifiers: MedGen C5436962, MONDO:0013159, OMIM 613155.

Submission:

Labcorp Genetics (formerly Invitae), Labcorp
Classification: Uncertain significance for Muscular dystrophy-dystroglycanopathy (congenital with impaired intellectual development), type B, 1; Walker-Warburg congenital muscular dystrophy; Autosomal recessive limb-girdle muscular dystrophy type 2K. Last evaluated: 2022-07-12. Review status: criteria provided, single submitter. Criteria: Invitae Variant Classification Sherloc (09022015). Collection method: clinical testing. Allele origin: germline.
Comment: This sequence change affects codon 690 of the POMT1 mRNA. It is a 'silent' change, meaning that it does not change the encoded amino acid sequence of the POMT1 protein. It affects a nucleotide within the consensus splice site. This variant is not present in population databases (gnomAD no frequency). This variant has not been reported in the literature in individuals affected with POMT1-related conditions. ClinVar contains an entry for this variant (Variation ID: 859889). Algorithms developed to predict the effect of sequence changes on RNA splicing suggest that this variant may disrupt the consensus splice site. In summary, the available evidence is currently insufficient to determine the role of this variant in disease. Therefore, it has been classified as a Variant of Uncertain Significance.